The following is an entry in ClinVar:

ClinVar aggregate classification (germline): Likely benign. Review status: criteria provided, multiple submitters, no conflicts (2 of 4 stars). 3 submissions from 3 submitters: Likely benign (3). Last evaluated 2025-08-01.

Conditions:
Retinoblastoma (RB1). Also called: RETINOBLASTOMA, SOMATIC. Identifiers: Orphanet 790, MedGen C0035335, MeSH D012175, MONDO:0008380, OMIM 180200, HP:0009919. Disease mechanism: loss of function. Inheritance: Both sporadic and heritable forms are tested..
Hereditary cancer-predisposing syndrome. Also called: Hereditary Cancer Syndrome; Neoplastic Syndromes, Hereditary; Hereditary neoplastic syndrome; Tumor predisposition. Identifiers: Orphanet 140162, MedGen C0027672, MeSH D009386, MONDO:0015356.

Allele frequency attached by ClinVar (database versions not stated): gnomAD 0.00001.
gnomAD v4.1: 1 of 1,579,274 alleles (0.000063%); highest among the groups gnomAD compares: Non-Finnish European, 0.000086%; no homozygotes.

Submissions (3):

CeGaT Center for Human Genetics Tuebingen
Classification: Likely benign. Last evaluated: 2025-08-01. Review status: criteria provided, single submitter. Criteria: CeGaT Center For Human Genetics Tuebingen Variant Classification Criteria Version 2. Collection method: clinical testing. Allele origin: germline. Affected: yes. Observed: 1 variant allele.
Comment: RB1: BP4, BP7

Ambry Genetics
Classification: Likely benign for Hereditary cancer-predisposing syndrome. Last evaluated: 2022-08-02. Review status: criteria provided, single submitter. Criteria: Ambry Variant Classification Scheme 2023. Collection method: clinical testing. Allele origin: germline.

Labcorp Genetics (formerly Invitae), Labcorp
Classification: Likely benign for Retinoblastoma. Last evaluated: 2021-10-05. Review status: criteria provided, single submitter. Criteria: Invitae Variant Classification Sherloc (09022015). Collection method: clinical testing. Allele origin: germline.

NM_000321.3(RB1):c.2259A>C (p.Ile753=)

Gene: RB1 (RB transcriptional corepressor 1; plus strand). Cytogenetic location: 13q14.2.
Variant type: single nucleotide variant.
Coding change: c.2259A>C on transcript NM_000321.3 (MANE Select); coding-DNA position 2259, A replaced by C.
Protein change: p.Ile753=; no amino-acid change (isoleucine 753 retained).
Molecular consequence: synonymous variant.
Genome position (GRCh38, 1-based): chr13:48,465,045, A>C. VCF-style: chr13-48465045-A-C. GRCh37 (hg19) VCF-style: chr13-49039181-A-C.
Identifiers: ClinVar variation 1623264 (VCV001623264.18), dbSNP rs1387030828, ClinGen allele CA483740111.
Genomic context (GRCh38, chr13:48,465,045, plus strand): 5'-TGTTCTTCCTCAGACATTCAAACGTGTTTTGATCAAAGAAGAGGAGTATGATTCTATTAT[A>C]GTATTCTATAACTCGGTCTTCATGCAGAGACTGAAAACAAATATTTTGCAGTATGCTTCC-3'
Protein context (NP_000312.2, residues 743-763): LIKEEEYDSI[Ile753=]VFYNSVFMQR